The following is an entry in ClinVar:

NM_000077.5(CDKN2A):c.150+76del

Gene: CDKN2A (cyclin dependent kinase inhibitor 2A; minus strand). Cytogenetic location: 9p21.3.
Variant type: Deletion.
Coding change: c.150+76del on transcript NM_000077.5 (MANE Select); 76 bases into the intron after coding-DNA position 150, one base deleted (T; older notation c.150+76delT).
Molecular consequence: intron variant. On other transcripts: frameshift variant (1).
Genome position (GRCh38, 1-based): chr9:21,974,602, A deleted on the plus strand (T on the coding strand, the reverse complement: CDKN2A is on the minus strand). VCF-style (leftmost placement, unchanged base first): chr9-21974601-GA-G. GRCh37 (hg19) VCF-style: chr9-21974600-GA-G.
Other names: c.226del, p.Ser76fs (NM_058197.5); c.-3-3394del (NM_001363763.2); c.194-3394del (NM_058195.4); c.150+76del (NM_001195132.2); short protein forms S76fs.
Identifiers: ClinVar variation 41574 (VCV000041574.2), dbSNP rs386833399, ClinGen allele CA215559.

ClinVar aggregate classification (germline): Uncertain significance (0 of 4 stars; one submission).

Submission:

Biesecker Lab/Clinical Genomics Section, National Institutes of Health
Classification: Uncertain significance. Last evaluated: 2012-07-13. Review status: no assertion criteria provided. Collection method: research. Allele origin: germline. Affected: no. Observed: 1 variant allele. Study: ClinSeq.
ClinVar note: Converted during submission from variant of unknown significance to Uncertain significance.